The following is an entry in ClinVar:

NC_000002.11:g.(?_203378422)_(203384944_?)del

Gene: BMPR2 (bone morphogenetic protein receptor type 2; plus strand). Cytogenetic location: 2q33.2.
Variant type: Deletion.
Identifiers: ClinVar variation 2423974 (VCV002423974.3).

ClinVar aggregate classification (germline): Pathogenic (1 of 4 stars; one submission).

Conditions:
Primary pulmonary hypertension. Also called: Idiopathic pulmonary hypertension. Identifiers: MedGen C0152171.

Submission:

Labcorp Genetics (formerly Invitae), Labcorp
Classification: Pathogenic for Primary pulmonary hypertension. Last evaluated: 2021-11-02. Review status: criteria provided, single submitter. Criteria: Invitae Variant Classification Sherloc (09022015). Collection method: clinical testing. Allele origin: germline.
Comment: This variant is a gross deletion of the genomic region encompassing exon(s) 4-7 of the BMPR2 gene. This variant would be expected to be in-frame, preserving the integrity of the reading frame. A similar copy number variant has been observed in individuals with pulmonary arterial hypertension (PMID: 26387786; Invitae). Experimental studies and prediction algorithms are not available or were not evaluated, and the functional significance of this variant is currently unknown. For these reasons, this variant has been classified as Pathogenic.

Literature cited by the submitters: PubMed 26387786.